The following is an entry in ClinVar:

NM_207346.3(TSEN54):c.1414C>T (p.Arg472Trp)

Gene: TSEN54 (tRNA splicing endonuclease subunit 54; plus strand). Cytogenetic location: 17q25.1.
Variant type: single nucleotide variant.
Coding change: c.1414C>T on transcript NM_207346.3 (MANE Select); coding-DNA position 1414, C replaced by T.
Protein change: p.Arg472Trp; replaces arginine 472 with tryptophan.
Molecular consequence: missense variant.
Genome position (GRCh38, 1-based): chr17:75,523,763, C>T. VCF-style: chr17-75523763-C-T. GRCh37 (hg19) VCF-style: chr17-73519844-C-T.
Other names: c.1414C>T (NM_207346.2); short protein forms R472W.
Identifiers: ClinVar variation 1938104 (VCV001938104.7), dbSNP rs779644096, ClinGen allele CA8764431.

ClinVar aggregate classification (germline): Conflicting classifications of pathogenicity. Review status: criteria provided, conflicting classifications (1 of 4 stars). 2 submissions from 2 submitters: Likely pathogenic (1); Uncertain significance (1). Last evaluated 2026-06-24.

Allele frequency attached by ClinVar (database versions not stated): ExAC 0.00001; gnomAD 0.00001; TOPMed 0.00002.

Submissions (2):

GeneDx
Classification: Likely pathogenic. Last evaluated: 2026-06-24. Review status: criteria provided, single submitter. Criteria: GeneDx Variant Classification Process June 2021. Collection method: clinical testing. Allele origin: germline.
Comment: Not observed at significant frequency in large population cohorts (gnomAD); In silico analysis supports that this missense variant has a deleterious effect on protein structure/function; Has not been previously published as pathogenic or benign to our knowledge; This variant is associated with the following publications: (PMID: 26633542)

Labcorp Genetics (formerly Invitae), Labcorp
Classification: Uncertain significance. Last evaluated: 2023-10-13. Review status: criteria provided, single submitter. Criteria: Invitae Variant Classification Sherloc (09022015). Collection method: clinical testing. Allele origin: germline.
Comment: This sequence change replaces arginine, which is basic and polar, with tryptophan, which is neutral and slightly polar, at codon 472 of the TSEN54 protein (p.Arg472Trp). This variant is present in population databases (rs779644096, gnomAD 0.009%). This variant has not been reported in the literature in individuals affected with TSEN54-related conditions. ClinVar contains an entry for this variant (Variation ID: 1938104). Advanced modeling of protein sequence and biophysical properties (such as structural, functional, and spatial information, amino acid conservation, physicochemical variation, residue mobility, and thermodynamic stability) has been performed at Invitae for this missense variant, however the output from this modeling did not meet the statistical confidence thresholds required to predict the impact of this variant on TSEN54 protein function. In summary, the available evidence is currently insufficient to determine the role of this variant in disease. Therefore, it has been classified as a Variant of Uncertain Significance.